The following is an entry in ClinVar:

NM_007294.4(BRCA1):c.2935C>A (p.Arg979Ser)

Gene: BRCA1 (BRCA1 DNA repair associated; minus strand). Cytogenetic location: 17q21.31.
Variant type: single nucleotide variant.
Coding change: c.2935C>A on transcript NM_007294.4 (MANE Select); coding-DNA position 2935, C replaced by A.
Protein change: p.Arg979Ser; replaces arginine 979 with serine.
Molecular consequence: missense variant. On other transcripts: intron variant (137).
Genome position (GRCh38, 1-based): chr17:43,092,596, G>T on the plus strand (C>A on the coding strand, the complement: BRCA1 is on the minus strand). VCF-style: chr17-43092596-G-T. GRCh37 (hg19) VCF-style: chr17-41244613-G-T.
Other names: p.R979S:CGT>AGT; c.788-1564C>A (NM_001408472.1, NM_001407990.1, NM_007299.4 and 17 more transcripts); c.788-457C>A (NM_001407969.1, NM_001407968.1); c.578-1564C>A (NM_001408492.1, NM_001408513.1, NM_001408489.1 and 9 more transcripts); c.644-1564C>A (NM_001408468.1, NM_001408465.1, NM_001408463.1 and 3 more transcripts); c.524-1564C>A (NM_001408501.1, NM_001408500.1, NM_001408497.1 and 3 more transcripts); c.647-1564C>A (NM_001408455.1, NM_001408466.1, NM_001408452.1 and 11 more transcripts); c.521-1564C>A (NM_001408503.1, NM_001408505.1, NM_001408504.1); and 42 more; short protein forms R979S, R932S, R851S, R852S, R890S, R931S, R937S, R978S.
Identifiers: ClinVar variation 182078 (VCV000182078.20), dbSNP rs80356970, ClinGen allele CA001916.

ClinVar aggregate classification (germline): Conflicting classifications of pathogenicity. Review status: criteria provided, conflicting classifications (1 of 4 stars). 7 submissions from 7 submitters: Uncertain significance (6); Likely benign (1). Last evaluated 2025-12-13.

Conditions:
Hereditary cancer-predisposing syndrome. Also called: Hereditary Cancer Syndrome; Hereditary neoplastic syndrome; Tumor predisposition; Neoplastic Syndromes, Hereditary. Identifiers: Orphanet 140162, MedGen C0027672, MeSH D009386, MONDO:0015356.
Hereditary breast ovarian cancer syndrome. Also called: Hereditary breast and ovarian cancer syndrome; Hereditary breast and ovarian cancer syndrome (HBOC); BRCA1- and BRCA2-Associated Hereditary Breast and Ovarian Cancer; Breast and ovarian cancer; Hereditary breast and ovarian cancer; Hereditary breast and/or ovarian cancer syndrome. Identifiers: Orphanet 145, MedGen C0677776, MeSH D061325, MONDO:0003582. Disease mechanism: loss of function.
Breast-ovarian cancer, familial, susceptibility to, 1 (BROVCA1). Also called: OVARIAN CANCER, SUSCEPTIBILITY TO; BRCA1 Hereditary Breast and Ovarian Cancer. Identifiers: Orphanet 145, MedGen C2676676, MONDO:0011450, OMIM 604370. Disease mechanism: loss of function.

Submissions (7):

Ambry Genetics
Classification: Uncertain significance for Hereditary cancer-predisposing syndrome. Last evaluated: 2025-12-13. Review status: criteria provided, single submitter. Criteria: Ambry Variant Classification Scheme 2023. Collection method: clinical testing. Allele origin: germline.
Comment: The p.R979S variant (also known as c.2935C>A), located in coding exon 9 of the BRCA1 gene, results from a C to A substitution at nucleotide position 2935. The arginine at codon 979 is replaced by serine, an amino acid with dissimilar properties. This amino acid position is poorly conserved in available vertebrate species. In addition, this alteration is predicted to be tolerated by in silico analysis. Since supporting evidence is limited at this time, the clinical significance of this alteration remains unclear.

Labcorp Genetics (formerly Invitae), Labcorp
Classification: Uncertain significance for Hereditary breast ovarian cancer syndrome. Last evaluated: 2025-03-30. Review status: criteria provided, single submitter. Criteria: Invitae Variant Classification Sherloc (09022015). Collection method: clinical testing. Allele origin: germline.
Comment: This sequence change replaces arginine, which is basic and polar, with serine, which is neutral and polar, at codon 979 of the BRCA1 protein (p.Arg979Ser). This variant is not present in population databases (gnomAD no frequency). This variant has not been reported in the literature in individuals affected with BRCA1-related conditions. ClinVar contains an entry for this variant (Variation ID: 182078). Invitae Evidence Modeling of protein sequence and biophysical properties (such as structural, functional, and spatial information, amino acid conservation, physicochemical variation, residue mobility, and thermodynamic stability) indicates that this missense variant is not expected to disrupt BRCA1 protein function with a negative predictive value of 80%. In summary, the available evidence is currently insufficient to determine the role of this variant in disease. Therefore, it has been classified as a Variant of Uncertain Significance.

Quest Diagnostics Nichols Institute San Juan Capistrano
Classification: Uncertain significance. Last evaluated: 2024-01-09. Review status: criteria provided, single submitter. Criteria: Quest Diagnostics criteria. Collection method: clinical testing. Allele origin: unknown.
Comment: The BRCA1 c.2935C>A (p.Arg979Ser) variant has been reported in the published literature to be located in a region of the BRCA1 gene that is tolerant to missense sequence changes (PMID: 31911673 (2020)). This variant has not been reported in large, multi-ethnic general populations (Genome Aggregation Database). Analysis of this variant using bioinformatics tools for the prediction of the effect of amino acid changes on protein structure and function yielded predictions that this variant is benign. Based on the available information, we are unable to determine the clinical significance of this variant.

All of Us Research Program, National Institutes of Health
Classification: Uncertain significance for Breast-ovarian cancer, familial, susceptibility to, 1. Last evaluated: 2023-08-15. Review status: criteria provided, single submitter. Criteria: ACMG Guidelines, 2015. Collection method: clinical testing. Allele origin: germline. Inheritance: Autosomal dominant inheritance. Observed: 1 variant allele, 1 heterozygote.
Comment: This missense variant replaces arginine with serine at codon 979 of the BRCA1 protein. Computational prediction suggests that this variant may not impact protein structure and function (internally defined REVEL score threshold <= 0.5, PMID: 27666373). Splice site prediction tools suggest that this variant may not impact RNA splicing. To our knowledge, functional studies have not been performed for this variant. This variant has not been reported in individuals affected with hereditary cancer in the literature. This variant has not been identified in the general population by the Genome Aggregation Database (gnomAD). The available evidence is insufficient to determine the role of this variant in disease conclusively. Therefore, this variant is classified as a Variant of Uncertain Significance.

This study involves interpretation of variants in research participants for the purpose of population health screening. Participant phenotype was not available at the time of variant classification. Additional details can be found in publication PMID: 35346344, PMCID: PMC8962531

University of Washington Department of Laboratory Medicine, University of Washington
Classification: Likely benign for Hereditary cancer-predisposing syndrome. Last evaluated: 2023-03-23. Review status: criteria provided, single submitter. Criteria: Dines et al. (Genet Med. 2020). Collection method: curation. Allele origin: germline.
Comment: Missense variant in a coldspot region where missense variants are very unlikely to be pathogenic (PMID:31911673).

BRCA1 coldspot (exon 11 using historical exon numbering). Reclassification based on statistical prior probability

Color Diagnostics, LLC DBA Color Health
Classification: Uncertain significance for Hereditary cancer-predisposing syndrome. Last evaluated: 2019-10-01. Review status: criteria provided, single submitter. Criteria: ACMG Guidelines, 2015. Collection method: clinical testing. Allele origin: germline.
Comment: This missense variant replaces arginine with serine at codon 979 of the BRCA1 protein. Computational prediction suggests that this variant may not impact protein structure and function (internally defined REVEL score threshold <= 0.5, PMID: 27666373). Splice site prediction tools suggest that this variant may not impact RNA splicing. To our knowledge, functional studies have not been performed for this variant. This variant has not been reported in individuals affected with hereditary cancer in the literature. This variant has not been identified in the general population by the Genome Aggregation Database (gnomAD). The available evidence is insufficient to determine the role of this variant in disease conclusively. Therefore, this variant is classified as a Variant of Uncertain Significance.

GeneDx
Classification: Uncertain significance. Last evaluated: 2017-05-02. Review status: criteria provided, single submitter. Criteria: GeneDx Variant Classification (06012015). Collection method: clinical testing. Allele origin: germline. Affected: yes.
Comment: This variant is denoted BRCA1 c.2935C>A at the cDNA level, p.Arg979Ser (R979S) at the protein level, and results in the change of an Arginine to a Serine (CGT>AGT). Using alternate nomenclature, this variant would be defined as BRCA1 3054C>A. This variant has not, to our knowledge, been published in the literature as pathogenic or benign. BRCA1 Arg979Ser was not observed in approximately 6,500 individuals of European and African American ancestry in the NHLBI Exome Sequencing Project, suggesting it is not a common benign variant in these populations. Since Arginine and Serine differ in some properties, this is considered a semi-conservative amino acid substitution. BRCA1 Arg979Ser occurs at a position that is not conserved and is located in the DNA binding domain and a region known to interact with multiple other proteins (Narod 2004, Paul 2014). In silico analyses predict that this variant is unlikely to alter protein structure or function. Based on currently available evidence, it is unclear whether BRCA1 Arg979Ser is a pathogenic or benign variant. We consider it to be a variant of uncertain significance.

Literature cited by the submitters: PubMed 31911673 (cited by Quest Diagnostics Nichols Institute San Juan Capistrano).